The following is an entry in ClinVar:

NM_020338.4(ZMIZ1):c.2614del (p.Tyr872fs)

Gene: ZMIZ1 (zinc finger MIZ-type containing 1; plus strand). Cytogenetic location: 10q22.3.
Variant type: Deletion.
Coding change: c.2614del on transcript NM_020338.4 (MANE Select); coding-DNA position 2614, one base deleted (T; older notation c.2614delT).
Protein change: p.Tyr872fs; shifts the reading frame from tyrosine 872.
Molecular consequence: frameshift variant.
Genome position (GRCh38, 1-based): chr10:79,306,290, T deleted. VCF-style (leftmost placement, unchanged base first): chr10-79306289-CT-C. GRCh37 (hg19) VCF-style: chr10-81066046-CT-C.
Other names: short protein forms Y872fs.
Identifiers: ClinVar variation 3907761 (VCV003907761.1).

ClinVar aggregate classification (germline): Pathogenic (1 of 4 stars; one submission).

Submission:

GeneDx
Classification: Pathogenic. Last evaluated: 2024-12-20. Review status: criteria provided, single submitter. Criteria: GeneDx Variant Classification Process June 2021. Collection method: clinical testing. Allele origin: germline. Affected: yes.
Comment: Frameshift variant predicted to result in protein truncation or nonsense mediated decay in a gene for which loss of function is a known mechanism of disease; Not observed at significant frequency in large population cohorts (gnomAD); Has not been previously published as pathogenic or benign to our knowledge